The following is an entry in ClinVar:

NM_006019.4(TCIRG1):c.275G>A (p.Arg92Gln)

Gene: TCIRG1 (T cell immune regulator 1, ATPase H+ transporting V0 subunit a3; plus strand). Cytogenetic location: 11q13.2.
Variant type: single nucleotide variant.
Coding change: c.275G>A on transcript NM_006019.4 (MANE Select); coding-DNA position 275, G replaced by A.
Protein change: p.Arg92Gln; replaces arginine 92 with glutamine.
Molecular consequence: missense variant. On other transcripts: 5 prime UTR variant (1), intron variant (1).
Genome position (GRCh38, 1-based): chr11:68,042,721, G>A. VCF-style: chr11-68042721-G-A. GRCh37 (hg19) VCF-style: chr11-67810188-G-A.
Other names: c.-975G>A (NM_001351059.2); c.275G>A, p.Arg92Gln (NM_001440552.1, NM_001440553.1, NM_001440554.1 and 9 more transcripts); c.233G>A, p.Arg78Gln (NM_001440555.1, NM_001440556.1, NM_001440563.1 and 2 more transcripts); c.118-225G>A (NM_001440565.1); short protein forms R78Q, R92Q.
Identifiers: ClinVar variation 4181696 (VCV004181696.2).

ClinVar aggregate classification (germline): Uncertain significance. Review status: criteria provided, multiple submitters, no conflicts (2 of 4 stars). 2 submissions from 2 submitters: Uncertain significance (2). Last evaluated 2025-08-28.

Conditions:
Inborn genetic diseases. Identifiers: MedGen C0950123, MeSH D030342.

gnomAD v4.1: 20 of 1,546,342 alleles (0.0013%); highest among the groups gnomAD compares: African/African-American, 0.0027%; no homozygotes.

Submissions (2):

Ambry Genetics
Classification: Uncertain significance for Inborn genetic diseases. Last evaluated: 2025-08-28. Review status: criteria provided, single submitter. Criteria: Ambry Variant Classification Scheme 2023. Collection method: clinical testing. Allele origin: germline.

Labcorp Genetics (formerly Invitae), Labcorp
Classification: Uncertain significance. Last evaluated: 2025-06-17. Review status: criteria provided, single submitter. Criteria: Invitae Variant Classification Sherloc (09022015). Collection method: clinical testing. Allele origin: germline.
Comment: This sequence change replaces arginine, which is basic and polar, with glutamine, which is neutral and polar, at codon 92 of the TCIRG1 protein (p.Arg92Gln). This variant is not present in population databases (gnomAD no frequency). This variant has not been reported in the literature in individuals affected with TCIRG1-related conditions. Invitae Evidence Modeling of protein sequence and biophysical properties (such as structural, functional, and spatial information, amino acid conservation, physicochemical variation, residue mobility, and thermodynamic stability) indicates that this missense variant is not expected to disrupt TCIRG1 protein function with a negative predictive value of 80%. In summary, the available evidence is currently insufficient to determine the role of this variant in disease. Therefore, it has been classified as a Variant of Uncertain Significance.